The following is an entry in ClinVar:

NM_000222.3(KIT):c.2646G>A (p.Met882Ile)

Gene: KIT (KIT proto-oncogene, receptor tyrosine kinase; plus strand). Cytogenetic location: 4q12.
Variant type: single nucleotide variant.
Coding change: c.2646G>A on transcript NM_000222.3 (MANE Select); coding-DNA position 2646, G replaced by A.
Protein change: p.Met882Ile; replaces methionine 882 with isoleucine.
Molecular consequence: missense variant.
Genome position (GRCh38, 1-based): chr4:54,736,770, G>A. VCF-style: chr4-54736770-G-A. GRCh37 (hg19) VCF-style: chr4-55602936-G-A.
Other names: c.2634G>A, p.Met878Ile (NM_001093772.2, NM_001385292.1); c.2649G>A, p.Met883Ile (NM_001385284.1); c.2643G>A, p.Met881Ile (NM_001385285.1); c.2631G>A, p.Met877Ile (NM_001385286.1); c.2637G>A, p.Met879Ile (NM_001385288.1); c.2646G>A, p.Met882Ile (NM_001385290.1); short protein forms M877I, M881I, M883I, M882I, M878I, M879I.
Identifiers: ClinVar variation 4712624 (VCV004712624.1).
Genomic context (GRCh38, chr4:54,736,770, plus strand): 5'-CTGTGTCTCAGGAAGCAGCCCCTATCCTGGAATGCCGGTCGATTCTAAGTTCTACAAGAT[G>A]ATCAAGGAAGGCTTCCGGATGCTCAGCCCTGAACACGCACCTGCTGAAATGTAAGAGCCA-3'
Protein context (NP_000213.1, residues 872-892): GMPVDSKFYK[Met882Ile]IKEGFRMLSP

ClinVar aggregate classification (germline): Uncertain significance (1 of 4 stars; one submission).

Conditions:
Gastrointestinal stromal tumor. Also called: Gastrointestinal stromal tumor, somatic; Gastrointestinal stroma tumor. Identifiers: Orphanet 44890, MedGen C0238198, MeSH D046152, MONDO:0011719, OMIM 606764, HP:0100723.

Submission:

Labcorp Genetics (formerly Invitae), Labcorp
Classification: Uncertain significance for Gastrointestinal stromal tumor. Last evaluated: 2025-04-27. Review status: criteria provided, single submitter. Criteria: Invitae Variant Classification Sherloc (09022015). Collection method: clinical testing. Allele origin: germline.
Comment: This sequence change replaces methionine, which is neutral and non-polar, with isoleucine, which is neutral and non-polar, at codon 882 of the KIT protein (p.Met882Ile). This variant is not present in population databases (gnomAD no frequency). This variant has not been reported in the literature in individuals affected with KIT-related conditions. An algorithm developed to predict the effect of missense changes on protein structure and function (PolyPhen-2) suggests that this variant is likely to be disruptive. In summary, the available evidence is currently insufficient to determine the role of this variant in disease. Therefore, it has been classified as a Variant of Uncertain Significance.